The following is an entry in ClinVar:

NM_005618.4(DLL1):c.2119G>A (p.Val707Met)

Genes: DLL1 (delta like canonical Notch ligand 1; minus strand), LOC126859913 (P300/CBP strongly-dependent group 1 enhancer GRCh37_chr6:170591232-170592431; plus strand). Cytogenetic location: 6q27.
Variant type: single nucleotide variant.
Coding change: c.2119G>A on transcript NM_005618.4 (MANE Select); coding-DNA position 2119, G replaced by A.
Protein change: p.Val707Met; replaces valine 707 with methionine.
Molecular consequence: missense variant.
Genome position (GRCh38, 1-based): chr6:170,283,035, C>T on the plus strand (G>A on the coding strand, the complement: DLL1 is on the minus strand). VCF-style: chr6-170283035-C-T. GRCh37 (hg19) VCF-style: chr6-170592123-C-T.
Other names: short protein forms V707M.
Identifiers: ClinVar variation 4538245 (VCV004538245.1).

ClinVar aggregate classification (germline): Uncertain significance (1 of 4 stars; one submission).

Submission:

Greenwood Genetic Center Diagnostic Laboratories, Greenwood Genetic Center
Classification: Uncertain significance. Last evaluated: 2025-05-19. Review status: criteria provided, single submitter. Criteria: ACMG Guidelines, 2015. Collection method: clinical testing. Allele origin: germline. Affected: yes.
Comment: PM2, PP3